The following is an entry in ClinVar:

ClinVar aggregate classification (germline): Uncertain significance (1 of 4 stars; one submission).

Conditions:
Hereditary spastic paraplegia 11. Also called: Nakamura Osame syndrome; Autosomal recessive hereditary spastic paraplegia, mental impairment, and thin corpus callosum; SPASTIC PARAPLEGIA, AUTOSOMAL RECESSIVE, COMPLICATED, WITH THIN CORPUS CALLOSUM; SPASTIC PARAPLEGIA, AUTOSOMAL RECESSIVE, WITH MENTAL IMPAIRMENT AND THIN CORPUS CALLOSUM; Spastic paraplegia, mental retardation and thin corpus callosum; Spastic Paraplegia 11. Identifiers: Orphanet 2822, MedGen C1858479, MONDO:0011445, OMIM 604360.

Allele frequency attached by ClinVar (database versions not stated): gnomAD exomes below 0.00001 and 0.00001.
gnomAD v4.1: 2 of 1,614,044 alleles (0.00012%); highest among the groups gnomAD compares: Admixed American, 0.0033%; no homozygotes.

Submission:

Labcorp Genetics (formerly Invitae), Labcorp
Classification: Uncertain significance for Hereditary spastic paraplegia 11. Last evaluated: 2023-10-03. Review status: criteria provided, single submitter. Criteria: Invitae Variant Classification Sherloc (09022015). Collection method: clinical testing. Allele origin: germline.
Comment: This sequence change replaces cysteine, which is neutral and slightly polar, with serine, which is neutral and polar, at codon 1996 of the SPG11 protein (p.Cys1996Ser). This variant is present in population databases (no rsID available, gnomAD 0.006%). This variant has not been reported in the literature in individuals affected with SPG11-related conditions. ClinVar contains an entry for this variant (Variation ID: 1389151). Advanced modeling of protein sequence and biophysical properties (such as structural, functional, and spatial information, amino acid conservation, physicochemical variation, residue mobility, and thermodynamic stability) performed at Invitae indicates that this missense variant is not expected to disrupt SPG11 protein function. In summary, the available evidence is currently insufficient to determine the role of this variant in disease. Therefore, it has been classified as a Variant of Uncertain Significance.

NM_025137.4(SPG11):c.5987G>C (p.Cys1996Ser)

Gene: SPG11 (SPG11 vesicle trafficking associated, spatacsin; minus strand). Cytogenetic location: 15q21.1.
Variant type: single nucleotide variant.
Coding change: c.5987G>C on transcript NM_025137.4 (MANE Select); coding-DNA position 5987, G replaced by C.
Protein change: p.Cys1996Ser; replaces cysteine 1996 with serine.
Molecular consequence: missense variant. On other transcripts: intron variant (1).
Genome position (GRCh38, 1-based): chr15:44,574,921, C>G on the plus strand (G>C on the coding strand, the complement: SPG11 is on the minus strand). VCF-style: chr15-44574921-C-G. GRCh37 (hg19) VCF-style: chr15-44867119-C-G.
Other names: c.5867-2101G>C (NM_001160227.2); short protein forms C1996S.
Identifiers: ClinVar variation 1389151 (VCV001389151.4), dbSNP rs1567132702, ClinGen allele CA392218596.